The following is an entry in ClinVar:

NM_006929.5(SKIC2):c.287C>G (p.Ala96Gly)

Gene: SKIC2 (SKI2 subunit of superkiller complex; plus strand). Cytogenetic location: 6p21.33.
Variant type: single nucleotide variant.
Coding change: c.287C>G on transcript NM_006929.5 (MANE Select); coding-DNA position 287, C replaced by G.
Protein change: p.Ala96Gly; replaces alanine 96 with glycine.
Molecular consequence: missense variant.
Genome position (GRCh38, 1-based): chr6:31,960,270, C>G. VCF-style: chr6-31960270-C-G. GRCh37 (hg19) VCF-style: chr6-31928047-C-G.
Other names: short protein forms A96G.
Identifiers: ClinVar variation 1524203 (VCV001524203.5), dbSNP rs763946990, ClinGen allele CA363435982.

ClinVar aggregate classification (germline): Uncertain significance (1 of 4 stars; one submission).

Allele frequency attached by ClinVar (database versions not stated): gnomAD exomes below 0.00001.
gnomAD v4.1: 25 of 1,613,196 alleles (0.0015%); highest among the groups gnomAD compares: Non-Finnish European, 0.0021%; no homozygotes.

Submission:

Labcorp Genetics (formerly Invitae), Labcorp
Classification: Uncertain significance. Last evaluated: 2021-08-27. Review status: criteria provided, single submitter. Criteria: Invitae Variant Classification Sherloc (09022015). Collection method: clinical testing. Allele origin: germline.
Comment: This sequence change replaces alanine with glycine at codon 96 of the SKIV2L protein (p.Ala96Gly). The alanine residue is weakly conserved and there is a small physicochemical difference between alanine and glycine. This variant is not present in population databases (ExAC no frequency). This variant has not been reported in the literature in individuals affected with SKIV2L-related conditions. Algorithms developed to predict the effect of missense changes on protein structure and function (SIFT, PolyPhen-2, Align-GVGD) all suggest that this variant is likely to be tolerated. In summary, the available evidence is currently insufficient to determine the role of this variant in disease. Therefore, it has been classified as a Variant of Uncertain Significance.